The following is an entry in ClinVar:

NM_001159699.2(FHL1):c.287T>C (p.Phe96Ser)

Gene: FHL1 (four and a half LIM domains 1; plus strand). Cytogenetic location: Xq26.3.
Variant type: single nucleotide variant.
Coding change: c.287T>C on transcript NM_001159699.2 (MANE Select); coding-DNA position 287, T replaced by C.
Protein change: p.Phe96Ser; replaces phenylalanine 96 with serine.
Molecular consequence: missense variant. On other transcripts: non-coding transcript variant (1).
Genome position (GRCh38, 1-based): chrX:136,207,098, T>C. VCF-style: chrX-136207098-T-C. GRCh37 (hg19) VCF-style: chrX-135289257-T-C.
Other names: c.239T>C, p.Phe80Ser (NM_001159700.2, NM_001159702.3, NM_001159703.2 and 9 more transcripts); c.326T>C, p.Phe109Ser (NM_001159701.2); c.287T>C, p.Phe96Ser (NM_001330659.2); short protein forms F109S, F80S, F96S.
Identifiers: ClinVar variation 2565496 (VCV002565496.2), dbSNP rs2521264320, ClinGen allele CA414608068.

ClinVar aggregate classification (germline): Uncertain significance (1 of 4 stars; one submission).

Conditions:
Cardiovascular phenotype. Identifiers: MedGen CN230736.

Submission:

Ambry Genetics
Classification: Uncertain significance for Cardiovascular phenotype. Last evaluated: 2023-05-24. Review status: criteria provided, single submitter. Criteria: Ambry Variant Classification Scheme 2023. Collection method: clinical testing. Allele origin: germline.
Comment: The p.F80S variant (also known as c.239T>C), located in coding exon 2 of the FHL1 gene, results from a T to C substitution at nucleotide position 239. The phenylalanine at codon 80 is replaced by serine, an amino acid with highly dissimilar properties. This amino acid position is highly conserved in available vertebrate species. In addition, this alteration is predicted to be deleterious by in silico analysis. Since supporting evidence is limited at this time, the clinical significance of this alteration remains unclear.